The following is an entry in ClinVar:

ClinVar aggregate classification (germline): Uncertain significance (1 of 4 stars; one submission).

Conditions:
Joubert syndrome. Also called: CEREBELLOPARENCHYMAL DISORDER IV; JOUBERT-BOLTSHAUSER SYNDROME; Familial aplasia of the vermis. Identifiers: Orphanet 475, MedGen C5979921, MONDO:0018772.
Meckel-Gruber syndrome. Also called: DYSENCEPHALIA SPLANCHNOCYSTICA; GRUBER SYNDROME; Dysencephalia splachnocystica. Identifiers: Orphanet 564, MedGen C0265215, MONDO:0018921.

Allele frequency attached by ClinVar (database versions not stated): gnomAD 0.00001; gnomAD exomes 0.00001.

Submission:

Labcorp Genetics (formerly Invitae), Labcorp
Classification: Uncertain significance for Joubert syndrome; Meckel-Gruber syndrome. Last evaluated: 2024-01-29. Review status: criteria provided, single submitter. Criteria: Invitae Variant Classification Sherloc (09022015). Collection method: clinical testing. Allele origin: germline.
Comment: This sequence change replaces cysteine, which is neutral and slightly polar, with glycine, which is neutral and non-polar, at codon 253 of the TMEM67 protein (p.Cys253Gly). This variant is present in population databases (no rsID available, gnomAD 0.003%). This variant has not been reported in the literature in individuals affected with TMEM67-related conditions. ClinVar contains an entry for this variant (Variation ID: 1909515). Advanced modeling of protein sequence and biophysical properties (such as structural, functional, and spatial information, amino acid conservation, physicochemical variation, residue mobility, and thermodynamic stability) performed at Invitae indicates that this missense variant is expected to disrupt TMEM67 protein function with a positive predictive value of 95%. In summary, the available evidence is currently insufficient to determine the role of this variant in disease. Therefore, it has been classified as a Variant of Uncertain Significance.

NM_153704.6(TMEM67):c.757T>G (p.Cys253Gly)

Gene: TMEM67 (transmembrane protein 67; plus strand). Cytogenetic location: 8q22.1.
Variant type: single nucleotide variant.
Coding change: c.757T>G on transcript NM_153704.6 (MANE Select); coding-DNA position 757, T replaced by G.
Protein change: p.Cys253Gly; replaces cysteine 253 with glycine.
Molecular consequence: missense variant. On other transcripts: non-coding transcript variant (1).
Genome position (GRCh38, 1-based): chr8:93,780,635, T>G. VCF-style: chr8-93780635-T-G. GRCh37 (hg19) VCF-style: chr8-94792863-T-G.
Other names: c.514T>G, p.Cys172Gly (NM_001142301.1); short protein forms C253G, C172G.
Identifiers: ClinVar variation 1909515 (VCV001909515.5), dbSNP rs1363208008, ClinGen allele CA371687782.